The following is an entry in ClinVar:

ClinVar aggregate classification (germline): Benign/Likely benign. Review status: criteria provided, multiple submitters, no conflicts (2 of 4 stars). 8 submissions from 8 submitters: Benign (1); Likely benign (4). 3 of the submissions do not count toward it. Last evaluated 2025-10-02.

Conditions:
FYCO1-related disorder. Also called: FYCO1-related condition.
Cataract 18 (CATC2). Also called: CATARACT 18, AUTOSOMAL RECESSIVE. Identifiers: Orphanet 91492, Orphanet 98991, Orphanet 98992, Orphanet 98995, MedGen C1864908, MONDO:0012395, OMIM 610019.

Allele frequency attached by ClinVar (database versions not stated): 1000 Genomes Project 0.00100; 1000 Genomes Project 30x 0.00109; gnomAD exomes 0.00111 and 0.00164; ESP Exome Variant Server 0.00115; gnomAD 0.00125 and 0.00127; ExAC 0.00157; TOPMed 0.00186.
gnomAD v4.1: 1,924 of 1,608,936 alleles (0.12%); highest among the groups gnomAD compares: Middle Eastern, 0.88%; 4 homozygotes.

Submissions (8):

Labcorp Genetics (formerly Invitae), Labcorp
Classification: Likely benign for Cataract 18. Last evaluated: 2025-10-02. Review status: criteria provided, single submitter. Criteria: Invitae Variant Classification Sherloc (09022015). Collection method: clinical testing. Allele origin: germline.

Blueprint Genetics
Classification: Likely benign. Last evaluated: 2024-11-26. Review status: criteria provided, single submitter. Criteria: ACMG Guidelines, 2015. Collection method: clinical testing. Allele origin: germline.

GeneDx
Classification: Benign. Last evaluated: 2020-08-18. Review status: criteria provided, single submitter. Criteria: GeneDx Variant Classification Process June 2021. Collection method: clinical testing. Allele origin: germline. Affected: yes.

Illumina Laboratory Services, Illumina
Classification: Likely benign for Cataract 18. Last evaluated: 2018-01-12. Review status: criteria provided, single submitter. Criteria: ICSL Variant Classification Criteria 13 December 2019. Collection method: clinical testing. Allele origin: germline.
Comment: This variant was observed in the ICSL laboratory as part of a predisposition screen in an ostensibly healthy population. It had not been previously curated by ICSL or reported in the Human Gene Mutation Database (HGMD: prior to June 1st, 2018), and was therefore a candidate for classification through an automated scoring system. Utilizing variant allele frequency, disease prevalence and penetrance estimates, and inheritance mode, an automated score was calculated to assess if this variant is too frequent to cause the disease. Based on the score and internal cut-off values, a variant classified as likely benign is not then subjected to further curation. The score for this variant resulted in a classification of likely benign for this disease.

Breakthrough Genomics
Classification: Likely benign. Review status: criteria provided, single submitter. Criteria: ACMG Guidelines, 2015. Collection method: not provided. Allele origin: germline. Inheritance: Autosomal recessive inheritance. Affected: yes.

PreventionGenetics, part of Exact Sciences
Classification: Benign for FYCO1-related condition. Last evaluated: 2019-07-01. Review status: no assertion criteria provided. Collection method: clinical testing. Allele origin: germline. Not counted in ClinVar's aggregate classification.
Comment: This variant is classified as benign based on ACMG/AMP sequence variant interpretation guidelines (Richards et al. 2015 PMID: 25741868, with internal and published modifications).

Clinical Genetics DNA and cytogenetics Diagnostics Lab, Erasmus MC, Erasmus Medical Center
Classification: Benign. Review status: no assertion criteria provided. Collection method: clinical testing. Allele origin: germline. Affected: yes. Study: VKGL Data-share Consensus. Not counted in ClinVar's aggregate classification.

Laboratory of Diagnostic Genome Analysis, Leiden University Medical Center (LUMC)
Classification: Likely benign. Review status: no assertion criteria provided. Collection method: clinical testing. Allele origin: germline. Affected: yes. Study: VKGL Data-share Consensus. Not counted in ClinVar's aggregate classification.

NM_024513.4(FYCO1):c.1985C>T (p.Ser662Phe)

Gene: FYCO1 (FYVE and coiled-coil domain autophagy adaptor 1; minus strand). Cytogenetic location: 3p21.31.
Variant type: single nucleotide variant.
Coding change: c.1985C>T on transcript NM_024513.4 (MANE Select); coding-DNA position 1985, C replaced by T.
Protein change: p.Ser662Phe; replaces serine 662 with phenylalanine.
Molecular consequence: missense variant.
Genome position (GRCh38, 1-based): chr3:45,967,349, G>A on the plus strand (C>T on the coding strand, the complement: FYCO1 is on the minus strand). VCF-style: chr3-45967349-G-A. GRCh37 (hg19) VCF-style: chr3-46008841-G-A.
Other names: short protein forms S662F.
Identifiers: ClinVar variation 345516 (VCV000345516.21), dbSNP rs150785981, ClinGen allele CA2353137.